The following is an entry in ClinVar:

ClinVar aggregate classification (germline): Likely pathogenic. Review status: criteria provided, multiple submitters, no conflicts (2 of 4 stars). 2 submissions from 2 submitters: Likely pathogenic (2). Last evaluated 2024-04-29.

Conditions:
HPS5-related disorder. Also called: HPS5-related condition.

Submissions (2):

Labcorp Genetics (formerly Invitae), Labcorp
Classification: Likely pathogenic. Last evaluated: 2024-04-29. Review status: criteria provided, single submitter. Criteria: Invitae Variant Classification Sherloc (09022015). Collection method: clinical testing. Allele origin: germline.
Comment: This sequence change affects an acceptor splice site in intron 20 of the HPS5 gene. It is expected to disrupt RNA splicing. Variants that disrupt the donor or acceptor splice site typically lead to a loss of protein function (PMID: 16199547), and loss-of-function variants in HPS5 are known to be pathogenic (PMID: 12548288, 15296495, 21833017, 26785811). This variant is not present in population databases (gnomAD no frequency). This variant has not been reported in the literature in individuals affected with HPS5-related conditions. ClinVar contains an entry for this variant (Variation ID: 2636309). Algorithms developed to predict the effect of sequence changes on RNA splicing suggest that this variant may disrupt the consensus splice site. In summary, the currently available evidence indicates that the variant is pathogenic, but additional data are needed to prove that conclusively. Therefore, this variant has been classified as Likely Pathogenic.

PreventionGenetics, part of Exact Sciences
Classification: Likely pathogenic for HPS5-related condition. Last evaluated: 2022-08-31. Review status: criteria provided, single submitter. Criteria: ACMG Guidelines, 2015. Collection method: clinical testing. Allele origin: germline.
Comment: The HPS5 c.2952-1G>C variant is predicted to disrupt the AG splice acceptor site and interfere with normal splicing. To our knowledge, this variant has not been reported in the literature or in a large population database, indicating this variant is rare. Variants that disrupt the consensus splice acceptor site in HPS5 are expected to be pathogenic, and therefore we interpret c.2952-1G>C as likely pathogenic.

Literature cited by the submitters: PubMed 16199547 (cited by Labcorp Genetics (formerly Invitae), Labcorp); PubMed 12548288 (cited by Labcorp Genetics (formerly Invitae), Labcorp); PubMed 15296495 (cited by Labcorp Genetics (formerly Invitae), Labcorp); PubMed 21833017 (cited by Labcorp Genetics (formerly Invitae), Labcorp); PubMed 26785811 (cited by Labcorp Genetics (formerly Invitae), Labcorp).

NM_181507.2(HPS5):c.2952-1G>C

Gene: HPS5 (HPS5 biogenesis of lysosomal organelles complex 2 subunit 2; minus strand). Cytogenetic location: 11p15.1.
Variant type: single nucleotide variant.
Coding change: c.2952-1G>C on transcript NM_181507.2 (MANE Select); the canonical splice acceptor site of the intron before coding-DNA position 2952, G replaced by C.
Molecular consequence: splice acceptor variant.
Genome position (GRCh38, 1-based): chr11:18,283,902, C>G on the plus strand (G>C on the coding strand, the complement: HPS5 is on the minus strand). VCF-style: chr11-18283902-C-G. GRCh37 (hg19) VCF-style: chr11-18305449-C-G.
Other names: c.2538-1G>C (NM_001440929.1, NM_001440928.1, NM_001440927.1); c.2610-1G>C (NM_181508.2, NM_001440921.1, NM_001440926.1 and 5 more transcripts); c.2841-1G>C (NM_001440915.1, NM_001440914.1, NM_001440913.1); c.2097-1G>C (NM_001440931.1); c.2796-1G>C (NM_001440917.1); c.2952-1G>C (NM_001440906.1, NM_001440905.1, NM_001440903.1 and 1 more transcripts); c.2877-1G>C (NM_001440907.1, NM_001440909.1, NM_001440908.1); c.2490-1G>C (NM_001440930.1); and 5 more.
Identifiers: ClinVar variation 2636309 (VCV002636309.3), dbSNP rs2494418926, ClinGen allele CA379513773.